The following is an entry in ClinVar:

ClinVar aggregate classification (germline): Uncertain significance. Review status: criteria provided, multiple submitters, no conflicts (2 of 4 stars). 2 submissions from 2 submitters: Uncertain significance (2). Last evaluated 2021-11-09.

Conditions:
Inborn genetic diseases. Identifiers: MedGen C0950123, MeSH D030342.
Familial episodic pain syndrome with predominantly lower limb involvement. Also called: Episodic pain syndrome, familial, 3. Identifiers: Orphanet 391384, Orphanet 391392, MedGen C3809899, MONDO:0014247, OMIM 615552.
Hereditary sensory and autonomic neuropathy type 7. Also called: HSAN VII; Neuropathy, hereditary sensory and autonomic, type VII. Identifiers: Orphanet 391397, MedGen C3809882, MONDO:0014244, OMIM 615548.

Allele frequency attached by ClinVar (database versions not stated): gnomAD exomes below 0.00001.
gnomAD v4.1: 5 of 1,613,784 alleles (0.00031%); highest among the groups gnomAD compares: Admixed American, 0.0017%; no homozygotes.

Submissions (2):

Ambry Genetics
Classification: Uncertain significance for Inborn genetic diseases. Last evaluated: 2021-11-09. Review status: criteria provided, single submitter. Criteria: Ambry Variant Classification Scheme 2023. Collection method: clinical testing. Allele origin: germline.
Comment: The p.M777V variant (also known as c.2329A>G), located in coding exon 14 of the SCN11A gene, results from an A to G substitution at nucleotide position 2329. The methionine at codon 777 is replaced by valine, an amino acid with highly similar properties. This amino acid position is conserved. In addition, the in silico prediction for this alteration is inconclusive. Since supporting evidence is limited at this time, the clinical significance of this alteration remains unclear.

Labcorp Genetics (formerly Invitae), Labcorp
Classification: Uncertain significance for Familial episodic pain syndrome with predominantly lower limb involvement; Hereditary sensory and autonomic neuropathy type 7. Last evaluated: 2021-01-31. Review status: criteria provided, single submitter. Criteria: Invitae Variant Classification Sherloc (09022015). Collection method: clinical testing. Allele origin: germline.
Comment: In summary, the available evidence is currently insufficient to determine the role of this variant in disease. Therefore, it has been classified as a Variant of Uncertain Significance. Algorithms developed to predict the effect of missense changes on protein structure and function are either unavailable or do not agree on the potential impact of this missense change (SIFT: "Deleterious"; PolyPhen-2: "Possibly Damaging"; Align-GVGD: "Class C0"). This variant has not been reported in the literature in individuals with SCN11A-related conditions. This variant is not present in population databases (ExAC no frequency). This sequence change replaces methionine with valine at codon 777 of the SCN11A protein (p.Met777Val). The methionine residue is highly conserved and there is a small physicochemical difference between methionine and valine.

NM_001349253.2(SCN11A):c.2329A>G (p.Met777Val)

Gene: SCN11A (sodium voltage-gated channel alpha subunit 11; minus strand). Cytogenetic location: 3p22.2.
Variant type: single nucleotide variant.
Coding change: c.2329A>G on transcript NM_001349253.2 (MANE Select); coding-DNA position 2329, A replaced by G.
Protein change: p.Met777Val; replaces methionine 777 with valine.
Molecular consequence: missense variant.
Genome position (GRCh38, 1-based): chr3:38,896,919, T>C on the plus strand (A>G on the coding strand, the complement: SCN11A is on the minus strand). VCF-style: chr3-38896919-T-C. GRCh37 (hg19) VCF-style: chr3-38938410-T-C.
Other names: c.2329A>G, p.Met777Val (NM_014139.3); short protein forms M777V.
Identifiers: ClinVar variation 1487060 (VCV001487060.10), dbSNP rs1434713581, ClinGen allele CA352157545.